The following is an entry in ClinVar:

NM_000548.5(TSC2):c.2967-8C>T

Gene: TSC2 (TSC complex subunit 2; plus strand). Cytogenetic location: 16p13.3.
Variant type: single nucleotide variant.
Coding change: c.2967-8C>T on transcript NM_000548.5 (MANE Select); 8 bases into the intron before coding-DNA position 2967, C replaced by T.
Molecular consequence: intron variant.
Genome position (GRCh38, 1-based): chr16:2,079,024, C>T. VCF-style: chr16-2079024-C-T. GRCh37 (hg19) VCF-style: chr16-2129025-C-T.
Other names: c.2967-8C>T (NM_001114382.3); c.2838-8C>T (NM_021055.3, NM_001370405.1, NM_001363528.2); c.2838-11C>T (NM_001370404.1, NM_001077183.3); c.2727-8C>T (NM_001318827.2); c.2238-11C>T (NM_001318831.2); c.2691-8C>T (NM_001318829.2); c.2871-11C>T (NM_001318832.2).
Identifiers: ClinVar variation 413634 (VCV000413634.13), dbSNP rs1060504085, ClinGen allele CA16614753.
Genomic context (GRCh38, chr16:2,079,024, plus strand): 5'-CCTTGGTGATAGGTGGCTCGGCCCGCCCTACCTGGCACCCTGACCCTGGTCACGGCCTCT[C>T]CCTCCAGCAGGATACAGACGTCCCTCACCAGTGCCAGCTTGGGGTCTGCAGATGAGAACT-3'

ClinVar aggregate classification (germline): Likely benign. Review status: criteria provided, multiple submitters, no conflicts (2 of 4 stars). 3 submissions from 3 submitters: Likely benign (3). Last evaluated 2025-09-04.

Conditions:
Tuberous sclerosis syndrome (TSC). Also called: Tuberous Sclerosis Complex; Tuberous sclerosis. Identifiers: Orphanet 805, MedGen C0041341, MONDO:0001734.
Tuberous sclerosis 2 (TSC2). Identifiers: Orphanet 805, MedGen C1860707, MONDO:0013199, OMIM 613254.

Allele frequency attached by ClinVar (database versions not stated): gnomAD exomes below 0.00001; TOPMed below 0.00001; gnomAD 0.00001.
gnomAD v4.1: 9 of 1,612,342 alleles (0.00056%); highest among the groups gnomAD compares: East Asian, 0.0022%; no homozygotes.

Submissions (3):

Labcorp Genetics (formerly Invitae), Labcorp
Classification: Likely benign for Tuberous sclerosis 2. Last evaluated: 2025-09-04. Review status: criteria provided, single submitter. Criteria: Invitae Variant Classification Sherloc (09022015). Collection method: clinical testing. Allele origin: germline.

Myriad Genetics, Inc.
Classification: Likely benign for Tuberous sclerosis 2. Last evaluated: 2025-05-27. Review status: criteria provided, single submitter. Criteria: Myriad Autosomal Dominant, Autosomal Recessive and X-Linked Classification Criteria (2023). Collection method: clinical testing. Allele origin: unknown.
Comment: This variant is considered likely benign. This variant is intronic and is not expected to impact mRNA splicing.

All of Us Research Program, National Institutes of Health
Classification: Likely benign for Tuberous sclerosis syndrome. Last evaluated: 2023-12-18. Review status: criteria provided, single submitter. Criteria: ACMG Guidelines, 2015. Collection method: clinical testing. Allele origin: germline. Inheritance: Autosomal dominant inheritance. Observed: 6 variant alleles, 6 heterozygotes.
Comment: This study involves interpretation of variants in research participants for the purpose of population health screening. Participant phenotype was not available at the time of variant classification. Additional details can be found in publication PMID: 35346344, PMCID: PMC8962531